The following is an entry in ClinVar:

NM_032043.3(BRIP1):c.2172T>A (p.Ile724=)

Gene: BRIP1 (BRCA1 interacting DNA helicase 1; minus strand). Cytogenetic location: 17q23.2.
Variant type: single nucleotide variant.
Coding change: c.2172T>A on transcript NM_032043.3 (MANE Select); coding-DNA position 2172, T replaced by A.
Protein change: p.Ile724=; no amino-acid change (isoleucine 724 retained).
Molecular consequence: synonymous variant.
Genome position (GRCh38, 1-based): chr17:61,744,517, A>T on the plus strand (T>A on the coding strand, the complement: BRIP1 is on the minus strand). VCF-style: chr17-61744517-A-T. GRCh37 (hg19) VCF-style: chr17-59821878-A-T.
Identifiers: ClinVar variation 820835 (VCV000820835.16), dbSNP rs777860588, ClinGen allele CA501151340.
Genomic context (GRCh38, chr17:61,744,517, plus strand): 5'-GTCATAGTACACCTGCAGTAATTCATCAAAATTTGTTTTTTCTCCTCCCTGTGGTTCTAC[A>T]ATGACTGTCTTCACCAACTCCAGATTATGCCATAAACCAGTAGAGAGCCAACGTTCTTTT-3'
Protein context (NP_114432.2, residues 714-734): WHNLELVKTV[Ile724=]VEPQGGEKTN

ClinVar aggregate classification (germline): Conflicting classifications of pathogenicity. Review status: criteria provided, conflicting classifications (1 of 4 stars). 4 submissions from 4 submitters: Uncertain significance (1); Benign (1); Likely benign (2). Last evaluated 2025-06-20.

Conditions:
Hereditary cancer-predisposing syndrome. Also called: Hereditary Cancer Syndrome; Neoplastic Syndromes, Hereditary; Hereditary neoplastic syndrome; Tumor predisposition. Identifiers: Orphanet 140162, MedGen C0027672, MeSH D009386, MONDO:0015356.
Familial cancer of breast. Also called: Hereditary breast cancer; hereditary breast carcinoma; BREAST CANCER, FAMILIAL. Identifiers: Orphanet 227535, MedGen C0346153, MONDO:0016419, OMIM 114480. Disease mechanism: loss of function.
Fanconi anemia complementation group J. Also called: BRIP1-Related Fanconi Anemia. Identifiers: Orphanet 84, MedGen C1836860, MONDO:0012187, OMIM 609054.

Allele frequency attached by ClinVar (database versions not stated): gnomAD 0.00001; TOPMed 0.00001.
gnomAD v4.1: 1 of 1,613,754 alleles (0.000062%); highest among the groups gnomAD compares: African/African-American, 0.0013%; no homozygotes.

Submissions (4):

Labcorp Genetics (formerly Invitae), Labcorp
Classification: Likely benign for Familial cancer of breast; Fanconi anemia complementation group J. Last evaluated: 2025-06-20. Review status: criteria provided, single submitter. Criteria: Invitae Variant Classification Sherloc (09022015). Collection method: clinical testing. Allele origin: germline.

GeneDx
Classification: Uncertain significance. Last evaluated: 2025-05-06. Review status: criteria provided, single submitter. Criteria: GeneDx Variant Classification Process June 2021. Collection method: clinical testing. Allele origin: germline. Affected: yes.
Comment: Not observed at significant frequency in large population cohorts (gnomAD); In silico analysis suggests that this variant does not alter splicing; Has not been previously published as pathogenic or benign to our knowledge

Myriad Genetics, Inc.
Classification: Benign for Familial cancer of breast. Last evaluated: 2024-09-03. Review status: criteria provided, single submitter. Criteria: Myriad Autosomal Dominant, Autosomal Recessive and X-Linked Classification Criteria (2023). Collection method: clinical testing. Allele origin: unknown.
Comment: This variant is considered benign. This variant is a silent/synonymous amino acid change and it is not expected to impact splicing.

Ambry Genetics
Classification: Likely benign for Hereditary cancer-predisposing syndrome. Last evaluated: 2019-04-02. Review status: criteria provided, single submitter. Criteria: Ambry Variant Classification Scheme 2023. Collection method: clinical testing. Allele origin: germline.